The following is an entry in ClinVar:

ClinVar aggregate classification (germline): Uncertain significance (1 of 4 stars; one submission).

Conditions:
RP1L1-related disorder. Also called: RP1L1-related condition.

Submission:

PreventionGenetics, part of Exact Sciences
Classification: Uncertain significance for RP1L1-related condition. Last evaluated: 2026-05-21. Review status: criteria provided, single submitter. Criteria: ACMG Guidelines, 2015. Collection method: clinical testing. Allele origin: germline.
Comment: The RP1L1 c.1915A>G variant is predicted to result in the amino acid substitution p.Arg639Gly. To our knowledge, this variant has not been reported in the literature. This variant is reported in 0.011% of alleles in individuals of East Asian descent in gnomAD. At this time, the clinical significance of this variant is uncertain due to the absence of conclusive functional and genetic evidence.

NM_178857.6(RP1L1):c.1915A>G (p.Arg639Gly)

Gene: RP1L1 (RP1 like 1). Cytogenetic location: 8p23.1.
Variant type: single nucleotide variant.
Coding change: c.1915A>G on transcript NM_178857.6 (MANE Select); coding-DNA position 1915, A replaced by G.
Protein change: p.Arg639Gly; replaces arginine 639 with glycine.
Molecular consequence: missense variant.
Genome position (GRCh38, 1-based): chr8:10,612,183, T>C on the plus strand (A>G on the coding strand, the complement: RP1L1 is on the minus strand). VCF-style: chr8-10612183-T-C. GRCh37 (hg19) VCF-style: chr8-10469693-T-C.
Other names: short protein forms R639G.
Identifiers: ClinVar variation 4987796 (VCV004987796.1).